The following is an entry in ClinVar:

NM_000059.4(BRCA2):c.952A>G (p.Lys318Glu)

Gene: BRCA2 (BRCA2 DNA repair associated; plus strand). Cytogenetic location: 13q13.1.
Variant type: single nucleotide variant.
Coding change: c.952A>G on transcript NM_000059.4 (MANE Select); coding-DNA position 952, A replaced by G.
Protein change: p.Lys318Glu; replaces lysine 318 with glutamic acid.
Molecular consequence: missense variant.
Genome position (GRCh38, 1-based): chr13:32,332,430, A>G. VCF-style: chr13-32332430-A-G. GRCh37 (hg19) VCF-style: chr13-32906567-A-G.
Other names: short protein forms K318E.
Identifiers: ClinVar variation 946432 (VCV000946432.11), dbSNP rs397508060, ClinGen allele CA387760853.

ClinVar aggregate classification (germline): Conflicting classifications of pathogenicity. Review status: criteria provided, conflicting classifications (1 of 4 stars). 2 submissions from 2 submitters: Uncertain significance (1); Likely benign (1). Last evaluated 2024-07-11.

Conditions:
Hereditary cancer-predisposing syndrome. Also called: Hereditary neoplastic syndrome; Neoplastic Syndromes, Hereditary; Tumor predisposition; Hereditary Cancer Syndrome. Identifiers: Orphanet 140162, MedGen C0027672, MeSH D009386, MONDO:0015356.
Hereditary breast ovarian cancer syndrome. Also called: Hereditary breast and/or ovarian cancer syndrome; Hereditary breast and ovarian cancer syndrome; Hereditary breast and ovarian cancer syndrome (HBOC); Breast and ovarian cancer; BRCA1- and BRCA2-Associated Hereditary Breast and Ovarian Cancer; Hereditary breast and ovarian cancer. Identifiers: Orphanet 145, MedGen C0677776, MeSH D061325, MONDO:0003582. Disease mechanism: loss of function.

Allele frequency attached by ClinVar (database versions not stated): gnomAD exomes below 0.00001.
gnomAD v4.1: 1 of 1,589,902 alleles (0.000063%); highest among the groups gnomAD compares: South Asian, 0.0012%; no homozygotes.

Submissions (2):

Labcorp Genetics (formerly Invitae), Labcorp
Classification: Uncertain significance for Hereditary breast ovarian cancer syndrome. Last evaluated: 2024-07-11. Review status: criteria provided, single submitter. Criteria: Invitae Variant Classification Sherloc (09022015). Collection method: clinical testing. Allele origin: germline.
Comment: This sequence change replaces lysine, which is basic and polar, with glutamic acid, which is acidic and polar, at codon 318 of the BRCA2 protein (p.Lys318Glu). This variant is not present in population databases (gnomAD no frequency). This variant has not been reported in the literature in individuals affected with BRCA2-related conditions. ClinVar contains an entry for this variant (Variation ID: 946432). Advanced modeling of protein sequence and biophysical properties (such as structural, functional, and spatial information, amino acid conservation, physicochemical variation, residue mobility, and thermodynamic stability) performed at Invitae indicates that this missense variant is not expected to disrupt BRCA2 protein function with a negative predictive value of 95%. In summary, the available evidence is currently insufficient to determine the role of this variant in disease. Therefore, it has been classified as a Variant of Uncertain Significance.

University of Washington Department of Laboratory Medicine, University of Washington
Classification: Likely benign for Hereditary cancer-predisposing syndrome. Last evaluated: 2023-03-23. Review status: criteria provided, single submitter. Criteria: Dines et al. (Genet Med. 2020). Collection method: curation. Allele origin: germline.
Comment: Missense variant in a coldspot region where missense variants are very unlikely to be pathogenic (PMID:31911673).

BRCA2 exon 10 coldspot. Reclassification based on statistical prior probability.